The following is an entry in ClinVar:

ClinVar aggregate classification (germline): Likely benign (1 of 4 stars; one submission).

Conditions:
Leigh syndrome (NULS). Also called: Leigh's necrotizing encephalopathy; Leigh's disease; Leigh Syndrome (mtDNA deletion); Leigh Disease; Subacute necrotizing encephalopathy; Necrotizing encephalopathy infantile subacute of Leigh. Identifiers: Orphanet 506, MedGen C2931891, MONDO:0009723, OMIM 256000.

Submission:

Wong Mito Lab, Molecular and Human Genetics, Baylor College of Medicine
Classification: Likely benign for Leigh syndrome. Last evaluated: 2019-10-17. Review status: criteria provided, single submitter. Criteria: Modified ACMG Guidelines (Unpublished). Collection method: clinical testing. Allele origin: germline.
Comment: The NC_012920.1:m.12341C>T (YP_003024036.1:p.Thr2Ile) variant in MTND5 gene is interpretated to be a Likely Benign variant based on the modified ACMG guidelines (unpublished). This variant meets the following evidence codes: BS1, BP4

NC_012920.1(MT-ND5):m.12341C>T

Gene: MT-ND5 (mitochondrially encoded NADH dehydrogenase 5; plus strand).
Variant type: single nucleotide variant.
Genome position: chrM-12341-C-T.
Identifiers: ClinVar variation 693420 (VCV000693420.1), dbSNP rs1603223671, ClinGen allele CA414812726.
Genomic context (GRCh38, chrMT:12,341, plus strand): 5'-CAGCTATCCATTGGTCTTAGGCCCCAAAAATTTTGGTGCAACTCCAAATAAAAGTAATAA[C>T]CATGCACACTACTATAACCACCCTAACCCTGACTTCCCTAATTCCCCCCATCCTTACCAC-3'